The following is an entry in ClinVar:

ClinVar aggregate classification (germline): Uncertain significance (1 of 4 stars; one submission).

Conditions:
HTR2C-related disorder. Also called: HTR2C-related condition.

gnomAD v4.1: 3 of 1,210,885 alleles (0.00025%); highest among the groups gnomAD compares: Admixed American, 0.0065%; no homozygotes.

Submission:

PreventionGenetics, part of Exact Sciences
Classification: Uncertain significance for HTR2C-related condition. Last evaluated: 2025-09-08. Review status: criteria provided, single submitter. Criteria: ACMG Guidelines, 2015. Collection method: clinical testing. Allele origin: germline.
Comment: The HTR2C c.1332A>G variant is not predicted to result in an amino acid change (p.=). To our knowledge, this variant has not been reported in the literature. This variant is reported in 0.0073% of alleles in individuals of Latino descent in gnomAD. Although we suspect that this variant may be benign, at this time, the clinical significance of this variant is uncertain due to the absence of conclusive functional and genetic evidence.

NM_000868.4(HTR2C):c.1332A>G (p.Pro444=)

Genes: HTR2C (5-hydroxytryptamine receptor 2C; plus strand), LOC126863306 (MED14-independent group 3 enhancer GRCh37_chrX:114140926-114142125; plus strand). Cytogenetic location: Xq23.
Variant type: single nucleotide variant.
Coding change: c.1332A>G on transcript NM_000868.4 (MANE Select); coding-DNA position 1332, A replaced by G.
Protein change: p.Pro444=; no amino-acid change (proline 444 retained).
Molecular consequence: synonymous variant. On other transcripts: 3 prime UTR variant (1).
Genome position (GRCh38, 1-based): chrX:114,907,370, A>G. VCF-style: chrX-114907370-A-G. GRCh37 (hg19) VCF-style: chrX-114141933-A-G.
Other names: c.1332A>G, p.Pro444= (NM_001256760.3); c.*490A>G (NM_001256761.3).
Identifiers: ClinVar variation 4986661 (VCV004986661.1).